The following is an entry in ClinVar:

NM_138927.4(SON):c.430G>T (p.Asp144Tyr)

Gene: SON (SON DNA and RNA binding protein; plus strand). Cytogenetic location: 21q22.11.
Variant type: single nucleotide variant.
Coding change: c.430G>T on transcript NM_138927.4 (MANE Select); coding-DNA position 430, G replaced by T.
Protein change: p.Asp144Tyr; replaces aspartic acid 144 with tyrosine.
Molecular consequence: missense variant. On other transcripts: non-coding transcript variant (1), intron variant (1).
Genome position (GRCh38, 1-based): chr21:33,549,661, G>T. VCF-style: chr21-33549661-G-T. GRCh37 (hg19) VCF-style: chr21-34921967-G-T.
Other names: c.430G>T, p.Asp144Tyr (NM_001291411.2, NM_001412133.1, NM_032195.3 and 2 more transcripts); c.244+3282G>T (NM_001291412.3); short protein forms D144Y.
Identifiers: ClinVar variation 2989213 (VCV002989213.3), dbSNP rs376504954, ClinGen allele CA10008674.

ClinVar aggregate classification (germline): Uncertain significance (1 of 4 stars; one submission).

Allele frequency attached by ClinVar (database versions not stated): ExAC 0.00005; ESP Exome Variant Server 0.00015.
gnomAD v4.1: 94 of 1,611,206 alleles (0.0058%); highest among the groups gnomAD compares: Non-Finnish European, 0.0077%; no homozygotes.

Submission:

Labcorp Genetics (formerly Invitae), Labcorp
Classification: Uncertain significance. Last evaluated: 2025-10-07. Review status: criteria provided, single submitter. Criteria: Invitae Variant Classification Sherloc (09022015). Collection method: clinical testing. Allele origin: germline.
Comment: This sequence change replaces aspartic acid, which is acidic and polar, with tyrosine, which is neutral and polar, at codon 144 of the SON protein (p.Asp144Tyr). This variant is present in population databases (rs376504954, gnomAD 0.007%). This variant has not been reported in the literature in individuals affected with SON-related conditions. ClinVar contains an entry for this variant (Variation ID: 2989213). An algorithm developed to predict the effect of missense changes on protein structure and function (PolyPhen-2) suggests that this variant is likely to be tolerated. In summary, the available evidence is currently insufficient to determine the role of this variant in disease. Therefore, it has been classified as a Variant of Uncertain Significance.